The following is an entry in ClinVar:

NM_005097.4(LGI1):c.1611T>G (p.Phe537Leu)

Gene: LGI1 (leucine rich glioma inactivated 1; plus strand). Cytogenetic location: 10q23.33.
Variant type: single nucleotide variant.
Coding change: c.1611T>G on transcript NM_005097.4 (MANE Select); coding-DNA position 1611, T replaced by G.
Protein change: p.Phe537Leu; replaces phenylalanine 537 with leucine.
Molecular consequence: missense variant. On other transcripts: non-coding transcript variant (1), intron variant (1).
Genome position (GRCh38, 1-based): chr10:93,797,740, T>G. VCF-style: chr10-93797740-T-G. GRCh37 (hg19) VCF-style: chr10-95557497-T-G.
Other names: c.1467T>G, p.Phe489Leu (NM_001308276.2); c.839-9T>G (NM_001308275.2); short protein forms F537L, F489L.
Identifiers: ClinVar variation 1363650 (VCV001363650.9), dbSNP rs934608672, ClinGen allele CA211585909.
Genomic context (GRCh38, chr10:93,797,740, plus strand): 5'-AAATGTTCAGGCACCAAGATCATTCACACATGTGTCCATTAATAAGCGTAATTTTCTTTT[T>G]GCTTCCAGTTTTAAGGGAAATACACAGATTTACAAACATGTCATAGTTGACTTAAGCGCA-3'
Protein context (NP_005088.1, residues 527-547): HVSINKRNFL[Phe537Leu]ASSFKGNTQI

ClinVar aggregate classification (germline): Uncertain significance. Review status: criteria provided, multiple submitters, no conflicts (2 of 4 stars). 2 submissions from 2 submitters: Uncertain significance (2). Last evaluated 2022-03-31.

Conditions:
Autosomal dominant epilepsy with auditory features. Identifiers: Orphanet 101046, MedGen C1838062, MONDO:0010898.

Submissions (2):

GeneDx
Classification: Uncertain significance. Last evaluated: 2022-03-31. Review status: criteria provided, single submitter. Criteria: GeneDx Variant Classification Process June 2021. Collection method: clinical testing. Allele origin: germline. Affected: yes.
Comment: Not observed at significant frequency in large population cohorts (gnomAD); In silico analysis supports that this missense variant does not alter protein structure/function; Has not been previously published as pathogenic or benign to our knowledge

Labcorp Genetics (formerly Invitae), Labcorp
Classification: Uncertain significance for Autosomal dominant epilepsy with auditory features. Last evaluated: 2021-01-08. Review status: criteria provided, single submitter. Criteria: Invitae Variant Classification Sherloc (09022015). Collection method: clinical testing. Allele origin: germline.
Comment: This variant is not present in population databases (ExAC no frequency). This sequence change replaces phenylalanine with leucine at codon 537 of the LGI1 protein (p.Phe537Leu). The phenylalanine residue is moderately conserved and there is a small physicochemical difference between phenylalanine and leucine. This variant has not been reported in the literature in individuals with LGI1-related conditions. In summary, the available evidence is currently insufficient to determine the role of this variant in disease. Therefore, it has been classified as a Variant of Uncertain Significance. Algorithms developed to predict the effect of missense changes on protein structure and function (SIFT, PolyPhen-2, Align-GVGD) all suggest that this variant is likely to be tolerated, but these predictions have not been confirmed by published functional studies and their clinical significance is uncertain.